The following is an entry in ClinVar:

ClinVar aggregate classification (germline): Uncertain significance (1 of 4 stars; one submission).

Allele frequency attached by ClinVar (database versions not stated): ExAC 0.00001; gnomAD exomes 0.00001; ESP Exome Variant Server 0.00008.
gnomAD v4.1: 9 of 1,614,138 alleles (0.00056%); highest among the groups gnomAD compares: Admixed American, 0.0017%; no homozygotes.

Submission:

Labcorp Genetics (formerly Invitae), Labcorp
Classification: Uncertain significance. Last evaluated: 2022-03-18. Review status: criteria provided, single submitter. Criteria: Invitae Variant Classification Sherloc (09022015). Collection method: clinical testing. Allele origin: germline.
Comment: This variant is present in population databases (rs140064488, gnomAD 0.003%). This sequence change replaces asparagine, which is neutral and polar, with serine, which is neutral and polar, at codon 254 of the OR2W3 protein (p.Asn254Ser). This variant has not been reported in the literature in individuals affected with OR2W3-related conditions. Algorithms developed to predict the effect of missense changes on protein structure and function are either unavailable or do not agree on the potential impact of this missense change (SIFT: "Deleterious"; PolyPhen-2: "Benign"; Align-GVGD: "Class C45"). In summary, the available evidence is currently insufficient to determine the role of this variant in disease. Therefore, it has been classified as a Variant of Uncertain Significance.

NM_001001957.2(OR2W3):c.761A>G (p.Asn254Ser)

Gene: OR2W3 (olfactory receptor family 2 subfamily W member 3; plus strand). Cytogenetic location: 1q44.
Variant type: single nucleotide variant.
Coding change: c.761A>G on transcript NM_001001957.2 (MANE Select); coding-DNA position 761, A replaced by G.
Protein change: p.Asn254Ser; replaces asparagine 254 with serine.
Molecular consequence: missense variant.
Genome position (GRCh38, 1-based): chr1:247,896,347, A>G. VCF-style: chr1-247896347-A-G. GRCh37 (hg19) VCF-style: chr1-248059649-A-G.
Other names: short protein forms N254S.
Identifiers: ClinVar variation 1465395 (VCV001465395.6), dbSNP rs140064488, ClinGen allele CA1498676.